The following is an entry in ClinVar:

ClinVar aggregate classification (germline): Likely pathogenic (1 of 4 stars; one submission).

Conditions:
Primary hyperoxaluria, type I (HP1). Also called: OXALOSIS I; Primary hyperoxaluria type 1; GLYCOLIC ACIDURIA; HEPATIC AGT DEFICIENCY. Identifiers: Orphanet 416, Orphanet 93598, MedGen C0268164, MONDO:0009823, OMIM 259900. Disease mechanism: loss of function.

Submission:

Thalassemia Center, San Luigi University Hospital
Classification: Likely pathogenic for Primary hyperoxaluria, type I. Last evaluated: 2023-10-27. Review status: criteria provided, single submitter. Criteria: ACMG Guidelines, 2015. Collection method: clinical testing. Allele origin: germline. Affected: yes.
Comment: ACMG:PVS1 PM2

NM_000030.3(AGXT):c.1093_1094del (p.Gly365fs)

Gene: AGXT (alanine--glyoxylate aminotransferase; plus strand). Cytogenetic location: 2q37.3.
Variant type: Deletion.
Coding change: c.1093_1094del on transcript NM_000030.3 (MANE Select); coding-DNA positions 1093 to 1094, 2 bases deleted (GG; older notation c.1093_1094delGG).
Protein change: p.Gly365fs; shifts the reading frame from glycine 365.
Molecular consequence: frameshift variant.
Genome position (GRCh38, 1-based): chr2:240,878,735-240,878,736, GG deleted; deleting any 2 consecutive bases within chr2:240,878,734-240,878,736 gives the same sequence; the c. name uses the placement nearest the transcript's 3' end. VCF-style (leftmost placement, unchanged base first): chr2-240878733-TGG-T. GRCh37 (hg19) VCF-style: chr2-241818150-TGG-T.
Other names: short protein forms G365fs.
Identifiers: ClinVar variation 2671860 (VCV002671860.1), dbSNP rs2528766345, ClinGen allele CA2695197714.
Genomic context (GRCh38, chr2:240,878,733, plus strand): 5'-CCAGGCGGGAGGCTGACGTCAGCCCGCCCTGTGCCCCCCAGGTGCTGCGGATCGGCCTGC[TGG>T]GCTGCAATGCCACCCGCGAGAATGTGGACCGCGTGACGGAGGCCCTGAGGGCGGCCCTGC-3'